The following is an entry in ClinVar:

ClinVar aggregate classification (germline): Uncertain significance. Review status: criteria provided, multiple submitters, no conflicts (2 of 4 stars). 3 submissions from 3 submitters: Uncertain significance (3). Last evaluated 2026-10-01.

Conditions:
POLD1-related polyposis and colorectal cancer syndrome (CRCS10). Also called: Colorectal cancer 10; COLORECTAL CANCER, SUSCEPTIBILITY TO, ON CHROMOSOME 19q; Colorectal cancer, susceptibility to, 10. Identifiers: Orphanet 220460, MedGen C2675481, MONDO:0012953, OMIM 612591.
Hereditary cancer-predisposing syndrome. Also called: Hereditary Cancer Syndrome; Hereditary neoplastic syndrome; Tumor predisposition; Neoplastic Syndromes, Hereditary. Identifiers: Orphanet 140162, MedGen C0027672, MeSH D009386, MONDO:0015356.

Allele frequency attached by ClinVar (database versions not stated): gnomAD exomes below 0.00001; TOPMed below 0.00001.
gnomAD v4.1: 1 of 1,612,274 alleles (0.000062%); highest among the groups gnomAD compares: Non-Finnish European, 0.000085%; no homozygotes.

Submissions (3):

St. Jude Molecular Pathology, St. Jude Children's Research Hospital
Classification: Uncertain significance for POLD1-related polyposis and colorectal cancer syndrome. Last evaluated: 2026-10-01. Review status: criteria provided, single submitter. Criteria: St. Jude Assertion Criteria 2020. Collection method: clinical testing. Allele origin: germline.
Comment: The POLD1 c.302T>C p.(Ile101Thr) missense cha nge is absent in gnomAD v2.1.1. The in silico tool REVEL predicts a benign effect on protein function, but to our knowledge this prediction has not been confirmed by functional studies. To our knowledge, this variant has not been reported in individuals with POLD1-related disease. In summary, the evidence currently available is insufficient to determine the clinical significance of this variant. It has therefore been classified as of uncertain significance (VUS-Low).

Ambry Genetics
Classification: Uncertain significance for Hereditary cancer-predisposing syndrome. Last evaluated: 2022-05-01. Review status: criteria provided, single submitter. Criteria: Ambry Variant Classification Scheme 2023. Collection method: clinical testing. Allele origin: germline.
Comment: The p.I101T variant (also known as c.302T>C), located in coding exon 2 of the POLD1 gene, results from a T to C substitution at nucleotide position 302. The isoleucine at codon 101 is replaced by threonine, an amino acid with similar properties. This amino acid position is conserved. In addition, this alteration is predicted to be tolerated by in silico analysis. Since supporting evidence is limited at this time, the clinical significance of this alteration remains unclear.

Labcorp Genetics (formerly Invitae), Labcorp
Classification: Uncertain significance for POLD1-related polyposis and colorectal cancer syndrome. Last evaluated: 2021-06-24. Review status: criteria provided, single submitter. Criteria: Invitae Variant Classification Sherloc (09022015). Collection method: clinical testing. Allele origin: germline.
Comment: This variant has not been reported in the literature in individuals with POLD1-related conditions. In summary, the available evidence is currently insufficient to determine the role of this variant in disease. Therefore, it has been classified as a Variant of Uncertain Significance. Algorithms developed to predict the effect of missense changes on protein structure and function (SIFT, PolyPhen-2, Align-GVGD) all suggest that this variant is likely to be tolerated, but these predictions have not been confirmed by published functional studies and their clinical significance is uncertain. This variant is not present in population databases (ExAC no frequency). This sequence change replaces isoleucine with threonine at codon 101 of the POLD1 protein (p.Ile101Thr). The isoleucine residue is weakly conserved and there is a moderate physicochemical difference between isoleucine and threonine.

NM_002691.4(POLD1):c.302T>C (p.Ile101Thr)

Gene: POLD1 (DNA polymerase delta 1, catalytic subunit; plus strand). Cytogenetic location: 19q13.33.
Variant type: single nucleotide variant.
Coding change: c.302T>C on transcript NM_002691.4 (MANE Select); coding-DNA position 302, T replaced by C.
Protein change: p.Ile101Thr; replaces isoleucine 101 with threonine.
Molecular consequence: missense variant. On other transcripts: non-coding transcript variant (1).
Genome position (GRCh38, 1-based): chr19:50,399,470, T>C. VCF-style: chr19-50399470-T-C. GRCh37 (hg19) VCF-style: chr19-50902727-T-C.
Other names: c.302T>C, p.Ile101Thr (NM_001256849.1, NM_001308632.1); short protein forms I101T.
Identifiers: ClinVar variation 1475346 (VCV001475346.11), dbSNP rs2038502828, ClinGen allele CA406970651.